The following is an entry in ClinVar:

ClinVar aggregate classification (germline): Uncertain significance. Review status: criteria provided, multiple submitters, no conflicts (2 of 4 stars). 2 submissions from 2 submitters: Uncertain significance (2). Last evaluated 2026-02-06.

Conditions:
PEX12-related disorder. Also called: PEX12-related condition; PEX12-related disorders.
Peroxisome biogenesis disorder 3A (Zellweger). Also called: PEROXISOMAL BIOGENESIS DISORDER 3A (ZELLWEGER); Peroxisome biogenesis disorder 3A. Identifiers: Orphanet 912, MedGen C3553929, MONDO:0013927, OMIM 614859.

Allele frequency attached by ClinVar (database versions not stated): gnomAD exomes 0.00001 and below 0.00001; ExAC 0.00001.
gnomAD v4.1: 2 of 1,614,158 alleles (0.00012%); highest among the groups gnomAD compares: Admixed American, 0.0033%; no homozygotes.

Submissions (2):

PreventionGenetics, part of Exact Sciences
Classification: Uncertain significance for PEX12-related condition. Last evaluated: 2026-02-06. Review status: criteria provided, single submitter. Criteria: ACMG Guidelines, 2015. Collection method: clinical testing. Allele origin: germline.
Comment: The PEX12 c.53C>T variant is predicted to result in the amino acid substitution p.Pro18Leu. To our knowledge, this variant has not been reported in the literature. This variant is reported in 0.0058% of alleles in individuals of Latino descent in gnomAD. At this time, the clinical significance of this variant is uncertain due to the absence of conclusive functional and genetic evidence.

Labcorp Genetics (formerly Invitae), Labcorp
Classification: Uncertain significance for Peroxisome biogenesis disorder 3A (Zellweger). Last evaluated: 2025-05-02. Review status: criteria provided, single submitter. Criteria: Invitae Variant Classification Sherloc (09022015). Collection method: clinical testing. Allele origin: germline.
Comment: This sequence change replaces proline, which is neutral and non-polar, with leucine, which is neutral and non-polar, at codon 18 of the PEX12 protein (p.Pro18Leu). This variant is present in population databases (rs750863211, gnomAD 0.006%). This variant has not been reported in the literature in individuals affected with PEX12-related conditions. ClinVar contains an entry for this variant (Variation ID: 1398491). Invitae Evidence Modeling of protein sequence and biophysical properties (such as structural, functional, and spatial information, amino acid conservation, physicochemical variation, residue mobility, and thermodynamic stability) indicates that this missense variant is expected to disrupt PEX12 protein function with a positive predictive value of 80%. In summary, the available evidence is currently insufficient to determine the role of this variant in disease. Therefore, it has been classified as a Variant of Uncertain Significance.

NM_000286.3(PEX12):c.53C>T (p.Pro18Leu)

Gene: PEX12 (peroxisomal biogenesis factor 12; minus strand). Cytogenetic location: 17q12.
Variant type: single nucleotide variant.
Coding change: c.53C>T on transcript NM_000286.3 (MANE Select); coding-DNA position 53, C replaced by T.
Protein change: p.Pro18Leu; replaces proline 18 with leucine.
Molecular consequence: missense variant.
Genome position (GRCh38, 1-based): chr17:35,577,969, G>A on the plus strand (C>T on the coding strand, the complement: PEX12 is on the minus strand). VCF-style: chr17-35577969-G-A. GRCh37 (hg19) VCF-style: chr17-33904988-G-A.
Other names: c.53C>T (NM_000286.2); short protein forms P18L.
Identifiers: ClinVar variation 1398491 (VCV001398491.6), dbSNP rs750863211, ClinGen allele CA8504995.
Genomic context (GRCh38, chr17:35,577,969, plus strand): 5'-TGAAGAGCGGGTCTCACTGCTGTCATTAAACTGTCCTGTGCTACCACCTCAAAGATGGAT[G>A]GCTGGTCATCGGCCACAGAAGCAGCTGTGAAGTGAGCCCCGTGCTCAGCCATAGTTTCCT-3'
Protein context (NP_000277.1, residues 8-28): FTAASVADDQ[Pro18Leu]SIFEVVAQDS